The following is an entry in ClinVar:

ClinVar aggregate classification (germline): Uncertain significance (1 of 4 stars; one submission).

Allele frequency attached by ClinVar (database versions not stated): gnomAD exomes 0.00006 and 0.00012; ExAC 0.00007; gnomAD 0.00007 and 0.00008; TOPMed 0.00008.
gnomAD v4.1: 179 of 1,611,560 alleles (0.011%); highest among the groups gnomAD compares: Middle Eastern, 0.068%; no homozygotes.

Submission:

Labcorp Genetics (formerly Invitae), Labcorp
Classification: Uncertain significance. Last evaluated: 2022-08-09. Review status: criteria provided, single submitter. Criteria: Invitae Variant Classification Sherloc (09022015). Collection method: clinical testing. Allele origin: germline.
Comment: This sequence change replaces tyrosine, which is neutral and polar, with histidine, which is basic and polar, at codon 613 of the SLCO2A1 protein (p.Tyr613His). This variant is present in population databases (rs200115070, gnomAD 0.01%). This variant has not been reported in the literature in individuals affected with SLCO2A1-related conditions. ClinVar contains an entry for this variant (Variation ID: 1445079). Algorithms developed to predict the effect of missense changes on protein structure and function are either unavailable or do not agree on the potential impact of this missense change (SIFT: "Deleterious"; PolyPhen-2: "Probably Damaging"; Align-GVGD: "Class C0"). In summary, the available evidence is currently insufficient to determine the role of this variant in disease. Therefore, it has been classified as a Variant of Uncertain Significance.

NM_005630.3(SLCO2A1):c.1837T>C (p.Tyr613His)

Gene: SLCO2A1 (solute carrier organic anion transporter family member 2A1; minus strand). Cytogenetic location: 3q22.1.
Variant type: single nucleotide variant.
Coding change: c.1837T>C on transcript NM_005630.3 (MANE Select); coding-DNA position 1837, T replaced by C.
Protein change: p.Tyr613His; replaces tyrosine 613 with histidine.
Molecular consequence: missense variant.
Genome position (GRCh38, 1-based): chr3:133,934,808, A>G on the plus strand (T>C on the coding strand, the complement: SLCO2A1 is on the minus strand). VCF-style: chr3-133934808-A-G. GRCh37 (hg19) VCF-style: chr3-133653652-A-G.
Other names: short protein forms Y613H.
Identifiers: ClinVar variation 1445079 (VCV001445079.3), dbSNP rs200115070, ClinGen allele CA2626291.
Genomic context (GRCh38, chr3:133,934,808, plus strand): 5'-CCTTGTTCTTCTTCACCCTCCAGCTGATGAAGCAAAGCAGCAGCATGCCCAGCGCCTTGT[A>G]GCCCATCTGCAGGCCCAGGTACCTGTGGGCAGGAGGAGGCAGGACTGGTGAGGGAGGGGG-3'
Protein context (NP_005621.2, residues 603-623): RDRYLGLQMG[Tyr613His]KALGMLLLCF